The following is an entry in ClinVar:

ClinVar aggregate classification (germline): Benign/Likely benign. Review status: criteria provided, multiple submitters, no conflicts (2 of 4 stars). 2 submissions from 2 submitters: Benign (1); Likely benign (1). Last evaluated 2023-11-01.

Conditions:
Frontotemporal dementia and/or amyotrophic lateral sclerosis 7 (FTDALS7). Also called: CHMP2B-Related Frontotemporal Dementia-Amyotrophic Lateral Sclerosis; CHMP2B-related frontotemporal dementia; AMYOTROPHIC LATERAL SCLEROSIS, CHMP2B-RELATED; Amyotrophic lateral sclerosis 17. Identifiers: Orphanet 275864, Orphanet 282, Orphanet 803, MedGen C1833296, MONDO:0010936, OMIM 600795.

Allele frequency attached by ClinVar (database versions not stated): gnomAD exomes 0.00001 and 0.00005; ExAC 0.00006; gnomAD 0.00016 and 0.00018; TOPMed 0.00016; ESP Exome Variant Server 0.00031.
gnomAD v4.1: 62 of 1,612,422 alleles (0.0038%); highest among the groups gnomAD compares: African/African-American, 0.056%; no homozygotes.

Submissions (2):

Labcorp Genetics (formerly Invitae), Labcorp
Classification: Likely benign for Frontotemporal dementia and/or amyotrophic lateral sclerosis 7. Last evaluated: 2023-11-01. Review status: criteria provided, single submitter. Criteria: Invitae Variant Classification Sherloc (09022015). Collection method: clinical testing. Allele origin: germline.

Illumina Laboratory Services, Illumina
Classification: Benign for Frontotemporal dementia and/or amyotrophic lateral sclerosis 7. Last evaluated: 2018-01-12. Review status: criteria provided, single submitter. Criteria: ICSL Variant Classification Criteria 13 December 2019. Collection method: clinical testing. Allele origin: germline.
Comment: This variant was observed in the ICSL laboratory as part of a predisposition screen in an ostensibly healthy population. It had not been previously curated by ICSL or reported in the Human Gene Mutation Database (HGMD: prior to June 1st, 2018), and was therefore a candidate for classification through an automated scoring system. Utilizing variant allele frequency, disease prevalence and penetrance estimates, and inheritance mode, an automated score was calculated to assess if this variant is too frequent to cause the disease. Based on the score and internal cut-off values, a variant classified as benign is not then subjected to further curation. The score for this variant resulted in a classification of benign for this disease.

NM_014043.4(CHMP2B):c.549A>G (p.Ser183=)

Gene: CHMP2B (charged multivesicular body protein 2B; plus strand). Cytogenetic location: 3p11.2.
Variant type: single nucleotide variant.
Coding change: c.549A>G on transcript NM_014043.4 (MANE Select); coding-DNA position 549, A replaced by G.
Protein change: p.Ser183=; no amino-acid change (serine 183 retained).
Molecular consequence: synonymous variant.
Genome position (GRCh38, 1-based): chr3:87,253,729, A>G. VCF-style: chr3-87253729-A-G. GRCh37 (hg19) VCF-style: chr3-87302879-A-G.
Other names: c.426A>G, p.Ser142= (NM_001244644.2).
Identifiers: ClinVar variation 346808 (VCV000346808.14), dbSNP rs143178463, ClinGen allele CA2501035.